The following is an entry in ClinVar:

NM_170754.4(TNS2):c.3840C>T (p.Tyr1280=)

Gene: TNS2 (tensin 2; plus strand). Cytogenetic location: 12q13.13.
Variant type: single nucleotide variant.
Coding change: c.3840C>T on transcript NM_170754.4 (MANE Select); coding-DNA position 3840, C replaced by T.
Protein change: p.Tyr1280=; no amino-acid change (tyrosine 1280 retained).
Molecular consequence: synonymous variant.
Genome position (GRCh38, 1-based): chr12:53,063,105, C>T. VCF-style: chr12-53063105-C-T. GRCh37 (hg19) VCF-style: chr12-53456889-C-T.
Other names: c.3840C>T, p.Tyr1280= (NM_001416202.1); c.3798C>T, p.Tyr1266= (NM_001416203.1); c.3867C>T, p.Tyr1289= (NM_001416204.1); c.3771C>T, p.Tyr1257= (NM_015319.3); c.3468C>T, p.Tyr1156= (NM_198316.2).
Identifiers: ClinVar variation 2570833 (VCV002570833.27), dbSNP rs2539663475, ClinGen allele CA479911686.

ClinVar aggregate classification (germline): Uncertain significance (1 of 4 stars; one submission).

Allele frequency attached by ClinVar (database versions not stated): gnomAD exomes 0.00001.

Submission:

CeGaT Center for Human Genetics Tuebingen
Classification: Uncertain significance. Last evaluated: 2023-04-01. Review status: criteria provided, single submitter. Criteria: CeGaT Center For Human Genetics Tuebingen Variant Classification Criteria Version 2. Collection method: clinical testing. Allele origin: germline. Affected: yes. Observed: 1 variant allele.
Comment: TNS2: PM2:Supporting